The following is an entry in ClinVar:

ClinVar aggregate classification (germline): Uncertain significance (1 of 4 stars; one submission).

Submission:

Labcorp Genetics (formerly Invitae), Labcorp
Classification: Uncertain significance. Last evaluated: 2024-02-07. Review status: criteria provided, single submitter. Criteria: Invitae Variant Classification Sherloc (09022015). Collection method: clinical testing. Allele origin: germline.
Comment: This sequence change replaces valine, which is neutral and non-polar, with methionine, which is neutral and non-polar, at codon 598 of the TGM6 protein (p.Val598Met). This variant is not present in population databases (gnomAD no frequency). This variant has not been reported in the literature in individuals affected with TGM6-related conditions. Advanced modeling of protein sequence and biophysical properties (such as structural, functional, and spatial information, amino acid conservation, physicochemical variation, residue mobility, and thermodynamic stability) performed at Invitae indicates that this missense variant is not expected to disrupt TGM6 protein function with a negative predictive value of 80%. In summary, the available evidence is currently insufficient to determine the role of this variant in disease. Therefore, it has been classified as a Variant of Uncertain Significance.

NM_198994.3(TGM6):c.1792G>A (p.Val598Met)

Gene: TGM6 (transglutaminase 6; plus strand). Cytogenetic location: 20p13.
Variant type: single nucleotide variant.
Coding change: c.1792G>A on transcript NM_198994.3 (MANE Select); coding-DNA position 1792, G replaced by A.
Protein change: p.Val598Met; replaces valine 598 with methionine.
Molecular consequence: missense variant.
Genome position (GRCh38, 1-based): chr20:2,430,559, G>A. VCF-style: chr20-2430559-G-A. GRCh37 (hg19) VCF-style: chr20-2411205-G-A.
Other names: c.1792G>A, p.Val598Met (NM_001254734.2); short protein forms V598M.
Identifiers: ClinVar variation 3620315 (VCV003620315.2).
Genomic context (GRCh38, chr20:2,430,559, plus strand): 5'-GAGGACAAGAAGATCCTGTTGGCTGCCATGTGCCTTGTCACCAAAGGAGAGAAGCTTCTG[G>A]TGGAGAAGGACATTACTCTAGAGGACTTCATCACCATCAAGGTGACCTCAGCCTGCATCT-3'
Protein context (NP_945345.2, residues 588-608): CLVTKGEKLL[Val598Met]EKDITLEDFI